The following is an entry in ClinVar:

NM_004415.4(DSP):c.778-6G>A

Gene: DSP (desmoplakin; plus strand). Cytogenetic location: 6p24.3.
Variant type: single nucleotide variant.
Coding change: c.778-6G>A on transcript NM_004415.4 (MANE Select); 6 bases into the intron before coding-DNA position 778, G replaced by A.
Molecular consequence: intron variant.
Genome position (GRCh38, 1-based): chr6:7,565,353, G>A. VCF-style: chr6-7565353-G-A. GRCh37 (hg19) VCF-style: chr6-7565586-G-A.
Other names: c.778-6G>A (NM_001319034.2, NM_001008844.3, NM_001406591.1).
Identifiers: ClinVar variation 2943974 (VCV002943974.3), dbSNP rs1561685227, ClinGen allele CA2677219645.
Genomic context (GRCh38, chr6:7,565,353, plus strand): 5'-AACCTGCAGAGAACACCAGTCACTGCATATTGTTATTTTAATGCTGCCTTTGAACCTCCT[G>A]TGCAGAAAGCGTCCTTTGAGAGGATGGATCACCTGCGACAGCTGCAGAACATCATTCAGG-3'

ClinVar aggregate classification (germline): Uncertain significance (1 of 4 stars; one submission).

Conditions:
Arrhythmogenic cardiomyopathy with wooly hair and keratoderma. Also called: Arrhythmogenic cardiomyopathy with woolly hair and keratoderma; PALMOPLANTAR KERATODERMA WITH LEFT VENTRICULAR CARDIOMYOPATHY AND WOOLLY HAIR; Carvajal syndrome; Dilated cardiomyopathy with woolly hair and keratoderma. Identifiers: Orphanet 65282, MedGen C1854063, MONDO:0011581, OMIM 605676.
Arrhythmogenic right ventricular dysplasia 8 (ARVD8). Also called: Arrhythmogenic Right Ventricular Dysplasia/Cardiomyopathy 8; ARRHYTHMOGENIC RIGHT VENTRICULAR DYSPLASIA, FAMILIAL, 8; ARRHYTHMOGENIC RIGHT VENTRICULAR CARDIOMYOPATHY 8. Identifiers: MedGen C1843896, MONDO:0011831, OMIM 607450.

gnomAD v4.1: 2 of 1,613,932 alleles (0.00012%); highest among the groups gnomAD compares: Non-Finnish European, 0.00017%; no homozygotes.

Submission:

Labcorp Genetics (formerly Invitae), Labcorp
Classification: Uncertain significance for Arrhythmogenic cardiomyopathy with wooly hair and keratoderma; Arrhythmogenic right ventricular dysplasia 8. Last evaluated: 2023-09-22. Review status: criteria provided, single submitter. Criteria: Invitae Variant Classification Sherloc (09022015). Collection method: clinical testing. Allele origin: germline.
Comment: In summary, the available evidence is currently insufficient to determine the role of this variant in disease. Therefore, it has been classified as a Variant of Uncertain Significance. Algorithms developed to predict the effect of sequence changes on RNA splicing suggest that this variant may disrupt the consensus splice site. This variant has not been reported in the literature in individuals affected with DSP-related conditions. This variant is not present in population databases (gnomAD no frequency). This sequence change falls in intron 6 of the DSP gene. It does not directly change the encoded amino acid sequence of the DSP protein.